The following is an entry in ClinVar:

NM_018127.7(ELAC2):c.95C>G (p.Pro32Arg)

Gene: ELAC2 (elaC ribonuclease Z 2; minus strand). Cytogenetic location: 17p12.
Variant type: single nucleotide variant.
Coding change: c.95C>G on transcript NM_018127.7 (MANE Select); coding-DNA position 95, C replaced by G.
Protein change: p.Pro32Arg; replaces proline 32 with arginine.
Molecular consequence: missense variant.
Genome position (GRCh38, 1-based): chr17:13,017,853, G>C on the plus strand (C>G on the coding strand, the complement: ELAC2 is on the minus strand). VCF-style: chr17-13017853-G-C. GRCh37 (hg19) VCF-style: chr17-12921170-G-C.
Other names: c.95C>G, p.Pro32Arg (NM_001165962.2, NM_173717.2); c.95C>G (NM_001165962.1); short protein forms P32R.
Identifiers: ClinVar variation 384867 (VCV000384867.19), dbSNP rs544551424, ClinGen allele CA8401841.
Genomic context (GRCh38, chr17:13,017,853, plus strand): 5'-GAGCACCCCGACGGTCCGCGCTTCTCTCGCGTGCGCAGGTGCCGCAGCGGGTCCTTGCGC[G>C]GCCGCTCGCGGCGGGCGGGTGCCTGCGATATGGTGCGTCCCTGCGACATGGTGCGTCCGG-3'
Protein context (NP_060597.4, residues 22-42): ISQAPARRER[Pro32Arg]RKDPLRHLRT

ClinVar aggregate classification (germline): Benign/Likely benign. Review status: criteria provided, multiple submitters, no conflicts (2 of 4 stars). 6 submissions from 6 submitters: Benign (2); Likely benign (3). 1 of the submissions does not count toward it. Last evaluated 2026-01-18.

Conditions:
Combined oxidative phosphorylation defect type 17. Also called: Combined oxidative phosphorylation deficiency 17. Identifiers: Orphanet 369913, MedGen C3809526, MONDO:0014190, OMIM 615440.
Ovarian cancer. Also called: OVARIAN CANCER, SOMATIC. Identifiers: Orphanet 213500, MedGen C1140680, MONDO:0008170, OMIM 167000.
ELAC2-related disorder. Also called: ELAC2-related condition.

Allele frequency attached by ClinVar (database versions not stated): gnomAD 0.00047 and 0.00052; ExAC 0.00084; TOPMed 0.00099; 1000 Genomes Project 0.00180; 1000 Genomes Project 30x 0.00203.
gnomAD v4.1: 427 of 1,565,726 alleles (0.027%); highest among the groups gnomAD compares: Admixed American, 0.58%; 2 homozygotes.

Submissions (6):

Labcorp Genetics (formerly Invitae), Labcorp
Classification: Benign for Combined oxidative phosphorylation defect type 17. Last evaluated: 2026-01-18. Review status: criteria provided, single submitter. Criteria: Invitae Variant Classification Sherloc (09022015). Collection method: clinical testing. Allele origin: germline.

Women's Health and Genetics/Laboratory Corporation of America, LabCorp
Classification: Likely benign. Last evaluated: 2024-10-01. Review status: criteria provided, single submitter. Criteria: LabCorp Variant Classification Summary - May 2015. Collection method: clinical testing. Allele origin: germline.
Comment: Variant summary: ELAC2 c.95C>G (p.Pro32Arg) results in a non-conservative amino acid change in the encoded protein sequence. Three of five in-silico tools predict a benign effect of the variant on protein function. The variant allele was found at a frequency of 0.0011 in 160702 control chromosomes, predominantly at a frequency of 0.0061 within the Latino subpopulation in the gnomAD database. The observed variant frequency within Latino control individuals in the gnomAD database exceeds the estimated maximal expected allele frequency for a pathogenic variant in ELAC2 causing Combined Oxidative Phosphorylation Defect Type 17 phenotype. c.95C>G has been reported in the literature as heterozygous in an individual affected with Combined Oxidative Phosphorylation Defect Type 17, but a second variant was not identified (Kim_2017). These report(s) do not provide unequivocal conclusions about association of the variant with Combined Oxidative Phosphorylation Defect Type 17. To our knowledge, no experimental evidence demonstrating an impact on protein function has been reported. The following publication has been ascertained in the context of this evaluation (PMID: 29302266). ClinVar contains an entry for this variant (Variation ID: 384867). Based on the evidence outlined above, the variant was classified as likely benign.

Laboratory of Molecular Epidemiology of Birth Defects, West China Second University Hospital, Sichuan University
Classification: Benign for Ovarian cancer. Last evaluated: 2022-01-01. Review status: criteria provided, single submitter. Criteria: ACMG Guidelines, 2015. Collection method: clinical testing. Allele origin: germline. Affected: yes.

GeneDx
Classification: Likely benign. Last evaluated: 2019-08-06. Review status: criteria provided, single submitter. Criteria: GeneDx Variant Classification Process June 2021. Collection method: clinical testing. Allele origin: germline. Affected: yes.
Comment: This variant is associated with the following publications: (PMID: 29302266)

Breakthrough Genomics
Classification: Likely benign. Review status: criteria provided, single submitter. Criteria: ACMG Guidelines, 2015. Collection method: not provided. Allele origin: germline. Inheritance: Autosomal recessive inheritance. Affected: yes.

PreventionGenetics, part of Exact Sciences
Classification: Likely benign for ELAC2-related condition. Last evaluated: 2019-10-01. Review status: no assertion criteria provided. Collection method: clinical testing. Allele origin: germline. Not counted in ClinVar's aggregate classification.
Comment: This variant is classified as likely benign based on ACMG/AMP sequence variant interpretation guidelines (Richards et al. 2015 PMID: 25741868, with internal and published modifications).

Literature cited by the submitters: PubMed 29302266 (cited by Women's Health and Genetics/Laboratory Corporation of America, LabCorp).